The following is an entry in ClinVar:

NM_003482.4(KMT2D):c.8611C>G (p.Pro2871Ala)

Gene: KMT2D (lysine methyltransferase 2D; minus strand). Cytogenetic location: 12q13.12.
Variant type: single nucleotide variant.
Coding change: c.8611C>G on transcript NM_003482.4 (MANE Select); coding-DNA position 8611, C replaced by G.
Protein change: p.Pro2871Ala; replaces proline 2871 with alanine.
Molecular consequence: missense variant.
Genome position (GRCh38, 1-based): chr12:49,038,745, G>C on the plus strand (C>G on the coding strand, the complement: KMT2D is on the minus strand). VCF-style: chr12-49038745-G-C. GRCh37 (hg19) VCF-style: chr12-49432528-G-C.
Other names: short protein forms P2871A.
Identifiers: ClinVar variation 3356593 (VCV003356593.2).

ClinVar aggregate classification (germline): Uncertain significance (1 of 4 stars; one submission).

Conditions:
KMT2D-related disorder. Also called: KMT2D-Related Disorders.

gnomAD v4.1: 2 of 1,607,100 alleles (0.00012%); highest among the groups gnomAD compares: Non-Finnish European, 0.00017%; no homozygotes.

Submission:

PreventionGenetics, part of Exact Sciences
Classification: Uncertain significance for KMT2D-related condition. Last evaluated: 2025-11-12. Review status: criteria provided, single submitter. Criteria: ACMG Guidelines, 2015. Collection method: clinical testing. Allele origin: germline.
Comment: The KMT2D c.8611C>G variant is predicted to result in the amino acid substitution p.Pro2871Ala. To our knowledge, this variant has not been reported in the literature or in a large population database, indicating this variant is rare. At this time, the clinical significance of this variant is uncertain due to the absence of conclusive functional and genetic evidence.